The following is an entry in ClinVar:

NM_001135649.3(FOXI3):c.92C>A (p.Pro31Gln)

Gene: FOXI3 (forkhead box I3; minus strand). Cytogenetic location: 2p11.2.
Variant type: single nucleotide variant.
Coding change: c.92C>A on transcript NM_001135649.3 (MANE Select); coding-DNA position 92, C replaced by A.
Protein change: p.Pro31Gln; replaces proline 31 with glutamine.
Molecular consequence: missense variant.
Genome position (GRCh38, 1-based): chr2:88,452,444, G>T on the plus strand (C>A on the coding strand, the complement: FOXI3 is on the minus strand). VCF-style: chr2-88452444-G-T. GRCh37 (hg19) VCF-style: chr2-88751962-G-T.
Other names: short protein forms P31Q.
Identifiers: ClinVar variation 3637911 (VCV003637911.2).

ClinVar aggregate classification (germline): Uncertain significance (1 of 4 stars; one submission).

Submission:

Labcorp Genetics (formerly Invitae), Labcorp
Classification: Uncertain significance. Last evaluated: 2024-01-31. Review status: criteria provided, single submitter. Criteria: Invitae Variant Classification Sherloc (09022015). Collection method: clinical testing. Allele origin: germline.
Comment: This sequence change replaces proline, which is neutral and non-polar, with glutamine, which is neutral and polar, at codon 31 of the FOXI3 protein (p.Pro31Gln). The frequency data for this variant in the population databases is considered unreliable, as metrics indicate insufficient coverage at this position in the gnomAD database. This variant has not been reported in the literature in individuals affected with FOXI3-related conditions. Experimental studies and prediction algorithms are not available or were not evaluated, and the functional significance of this variant is currently unknown. In summary, the available evidence is currently insufficient to determine the role of this variant in disease. Therefore, it has been classified as a Variant of Uncertain Significance.